The following is an entry in ClinVar:

NM_001146.5(ANGPT1):c.1120del (p.Arg374fs)

Gene: ANGPT1 (angiopoietin 1; minus strand). Cytogenetic location: 8q23.1.
Variant type: Deletion.
Coding change: c.1120del on transcript NM_001146.5 (MANE Select); coding-DNA position 1120, one base deleted (A; older notation c.1120delA).
Protein change: p.Arg374fs; shifts the reading frame from arginine 374.
Molecular consequence: frameshift variant.
Genome position (GRCh38, 1-based): chr8:107,284,767, T deleted on the plus strand (A on the coding strand, the reverse complement: ANGPT1 is on the minus strand); the first of 2 consecutive T bases (chr8:107,284,767-107,284,768); deleting either gives the same sequence. VCF-style (leftmost placement, unchanged base first): chr8-107284766-CT-C. GRCh37 (hg19) VCF-style: chr8-108296994-CT-C.
Other names: c.1117del, p.Arg373fs (NM_001199859.3); c.520del, p.Arg174fs (NM_001314051.2); short protein forms R373fs, R374fs, R174fs.
Identifiers: ClinVar variation 2850719 (VCV002850719.3), dbSNP rs2488166048, ClinGen allele CA2739268941.

ClinVar aggregate classification (germline): Uncertain significance (1 of 4 stars; one submission).

Submission:

Labcorp Genetics (formerly Invitae), Labcorp
Classification: Uncertain significance. Last evaluated: 2023-03-29. Review status: criteria provided, single submitter. Criteria: Invitae Variant Classification Sherloc (09022015). Collection method: clinical testing. Allele origin: germline.
Comment: This variant has not been reported in the literature in individuals affected with ANGPT1-related conditions. Experimental studies and prediction algorithms are not available or were not evaluated, and the functional significance of this variant is currently unknown. In summary, the available evidence is currently insufficient to determine the role of this variant in disease. Therefore, it has been classified as a Variant of Uncertain Significance. This sequence change creates a premature translational stop signal (p.Arg374Glufs*4) in the ANGPT1 gene. It is expected to result in an absent or disrupted protein product. However, the current clinical and genetic evidence is not sufficient to establish whether loss-of-function variants in ANGPT1 cause disease. This variant is not present in population databases (gnomAD no frequency).